The following is an entry in ClinVar:

NM_000051.4(ATM):c.10G>A (p.Val4Ile)

Gene: ATM (ATM serine/threonine kinase; plus strand). Cytogenetic location: 11q22.3.
Variant type: single nucleotide variant.
Coding change: c.10G>A on transcript NM_000051.4 (MANE Select); coding-DNA position 10, G replaced by A.
Protein change: p.Val4Ile; replaces valine 4 with isoleucine.
Molecular consequence: missense variant.
Genome position (GRCh38, 1-based): chr11:108,227,634, G>A. VCF-style: chr11-108227634-G-A. GRCh37 (hg19) VCF-style: chr11-108098361-G-A.
Other names: c.10G>A, p.Val4Ile (NM_001351834.2, NM_001351835.2, NM_001351836.2); short protein forms V4I.
Identifiers: ClinVar variation 524305 (VCV000524305.13), dbSNP rs1438588853, ClinGen allele CA382518937.

ClinVar aggregate classification (germline): Conflicting classifications of pathogenicity. Review status: criteria provided, conflicting classifications (1 of 4 stars). 2 submissions from 2 submitters: Uncertain significance (1); Likely benign (1). Last evaluated 2025-12-11.

Conditions:
Hereditary cancer-predisposing syndrome. Also called: Neoplastic Syndromes, Hereditary; Tumor predisposition; Hereditary Cancer Syndrome; Hereditary neoplastic syndrome. Identifiers: Orphanet 140162, MedGen C0027672, MeSH D009386, MONDO:0015356.
Ataxia-telangiectasia syndrome (AT). Also called: ATAXIA-TELANGIECTASIA, COMPLEMENTATION GROUP A; ATAXIA-TELANGIECTASIA, FRESNO VARIANT; Ataxia-telangiectasia; Ataxia-telangiectasia, complementation group D; AT, COMPLEMENTATION GROUP C; Ataxia-telangiectasia, complementation group E. Identifiers: Orphanet 100, MedGen C0004135, MONDO:0008840, OMIM 208900.

Allele frequency attached by ClinVar (database versions not stated): gnomAD 0.00001; TOPMed 0.00001.
gnomAD v4.1: 1 of 1,613,360 alleles (0.000062%); highest among the groups gnomAD compares: African/African-American, 0.0013%; no homozygotes.

Submissions (2):

Labcorp Genetics (formerly Invitae), Labcorp
Classification: Uncertain significance for Ataxia-telangiectasia syndrome. Last evaluated: 2025-12-11. Review status: criteria provided, single submitter. Criteria: Invitae Variant Classification Sherloc (09022015). Collection method: clinical testing. Allele origin: germline.
Comment: This sequence change replaces valine, which is neutral and non-polar, with isoleucine, which is neutral and non-polar, at codon 4 of the ATM protein (p.Val4Ile). This variant is not present in population databases (gnomAD no frequency). This variant has not been reported in the literature in individuals affected with ATM-related conditions. ClinVar contains an entry for this variant (Variation ID: 524305). Invitae Evidence Modeling of protein sequence and biophysical properties (such as structural, functional, and spatial information, amino acid conservation, physicochemical variation, residue mobility, and thermodynamic stability) indicates that this missense variant is not expected to disrupt ATM protein function with a negative predictive value of 95%. In summary, the available evidence is currently insufficient to determine the role of this variant in disease. Therefore, it has been classified as a Variant of Uncertain Significance.

Ambry Genetics
Classification: Likely benign for Hereditary cancer-predisposing syndrome. Last evaluated: 2024-08-30. Review status: criteria provided, single submitter. Criteria: Ambry Variant Classification Scheme 2023. Collection method: clinical testing. Allele origin: germline.